The following is an entry in ClinVar:

NM_012431.3(SEMA3E):c.1195G>A (p.Asp399Asn)

Gene: SEMA3E (semaphorin 3E; minus strand). Cytogenetic location: 7q21.11.
Variant type: single nucleotide variant.
Coding change: c.1195G>A on transcript NM_012431.3 (MANE Select); coding-DNA position 1195, G replaced by A.
Protein change: p.Asp399Asn; replaces aspartic acid 399 with asparagine.
Molecular consequence: missense variant.
Genome position (GRCh38, 1-based): chr7:83,400,199, C>T on the plus strand (G>A on the coding strand, the complement: SEMA3E is on the minus strand). VCF-style: chr7-83400199-C-T. GRCh37 (hg19) VCF-style: chr7-83029515-C-T.
Other names: c.1015G>A, p.Asp339Asn (NM_001178129.2); short protein forms D399N, D339N.
Identifiers: ClinVar variation 3690607 (VCV003690607.2).

ClinVar aggregate classification (germline): Uncertain significance (1 of 4 stars; one submission).

Conditions:
CHARGE syndrome (CHARGE). Also called: Hittner Hirsch Kreh syndrome; CHARGE ASSOCIATION--COLOBOMA, HEART ANOMALY, CHOANAL ATRESIA, RETARDATION, GENITAL AND EAR ANOMALIES; Coloboma, heart anomaly, choanal atresia, retardation, genital and ear anomalies; CHARGE association; Hall-Hittner syndrome. Identifiers: Orphanet 138, MedGen C0265354, MONDO:0008965.

Submission:

Labcorp Genetics (formerly Invitae), Labcorp
Classification: Uncertain significance for CHARGE syndrome. Last evaluated: 2024-12-05. Review status: criteria provided, single submitter. Criteria: Invitae Variant Classification Sherloc (09022015). Collection method: clinical testing. Allele origin: germline.
Comment: This sequence change replaces aspartic acid, which is acidic and polar, with asparagine, which is neutral and polar, at codon 399 of the SEMA3E protein (p.Asp399Asn). This variant is not present in population databases (gnomAD no frequency). This variant has not been reported in the literature in individuals affected with SEMA3E-related conditions. Invitae Evidence Modeling of protein sequence and biophysical properties (such as structural, functional, and spatial information, amino acid conservation, physicochemical variation, residue mobility, and thermodynamic stability) has been performed for this missense variant. However, the output from this modeling did not meet the statistical confidence thresholds required to predict the impact of this variant on SEMA3E protein function. In summary, the available evidence is currently insufficient to determine the role of this variant in disease. Therefore, it has been classified as a Variant of Uncertain Significance.